The following is an entry in ClinVar:

ClinVar aggregate classification (germline): Conflicting classifications of pathogenicity. Review status: criteria provided, conflicting classifications (1 of 4 stars). 5 submissions from 5 submitters: Uncertain significance (3); Likely benign (1). 1 of the submissions does not count toward it. Last evaluated 2025-05-05.

Conditions:
Junctional epidermolysis bullosa with pyloric atresia. Also called: Epidermolysis bullosa, junctional, with pyloric atresia and aplasia cutis congenita; Epidermolysis bullosa junctionalis with pyloric atresia; APLASIA CUTIS CONGENITA WITH GASTROINTESTINAL ATRESIA; CARMI SYNDROME; EB-PA-ACC; ITGB4-Related Epidermolysis Bullosa with Pyloric Atresia. Identifiers: Orphanet 79403, MedGen C5676875, MONDO:0009183, OMIM 226730.
Epidermolysis bullosa, junctional 5A, intermediate. Also called: EPIDERMOLYSIS BULLOSA, JUNCTIONAL 5A, GENERALIZED INTERMEDIATE; EPIDERMOLYSIS BULLOSA, JUNCTIONAL 5A, NON-HERLITZ TYPE. Identifiers: MedGen C5676956, MONDO:0030768, OMIM 619816.
ITGB4-related disorder. Also called: ITGB4-related condition.

Allele frequency attached by ClinVar (database versions not stated): gnomAD exomes 0.00008; TOPMed 0.00002; 1000 Genomes Project 30x 0.00016; 1000 Genomes Project 0.00020; ExAC 0.00024; gnomAD 0.00004.
gnomAD v4.1: 144 of 1,614,186 alleles (0.0089%); highest among the groups gnomAD compares: South Asian, 0.13%; no homozygotes.

Submissions (5):

GeneDx
Classification: Uncertain significance. Last evaluated: 2025-05-05. Review status: criteria provided, single submitter. Criteria: GeneDx Variant Classification Process June 2021. Collection method: clinical testing. Allele origin: germline. Affected: yes.
Comment: In silico analysis suggests that this missense variant does not alter protein structure/function; Has not been previously published as pathogenic or benign to our knowledge

Labcorp Genetics (formerly Invitae), Labcorp
Classification: Likely benign. Last evaluated: 2024-03-10. Review status: criteria provided, single submitter. Criteria: Invitae Variant Classification Sherloc (09022015). Collection method: clinical testing. Allele origin: germline.

Fulgent Genetics
Classification: Uncertain significance for Junctional epidermolysis bullosa with pyloric atresia; Epidermolysis bullosa, junctional 5A, intermediate. Last evaluated: 2023-12-21. Review status: criteria provided, single submitter. Criteria: ACMG Guidelines, 2015. Collection method: clinical testing. Allele origin: germline.

Neuberg Centre For Genomic Medicine, NCGM
Classification: Uncertain significance for Junctional epidermolysis bullosa with pyloric atresia. Review status: criteria provided, single submitter. Criteria: ACMG Guidelines, 2015. Collection method: clinical testing. Allele origin: germline. Inheritance: Autosomal recessive inheritance. Affected: yes.
Comment: The missense variant p.Leu1488Phe in ITGB4 (NM_000213.5) has not been reported previously as a pathogenic variant nor as a benign variant, to our knowledge. The p.Leu1488Phe variant is observed in 11/30,616 (0.0359%) alleles from individuals of South Asian background in gnomAD Exomes and in 1/978 (0.1022%) alleles from individuals of South Asian background in 1000 Genomes. The variant is predicted to be damaging by both SIFT and PolyPhen2. The residue is conserved across species. The amino acid change p.Leu1488Phe in ITGB4 is predicted as conserved by GERP++ and PhyloP across 100 vertebrates. For these reasons, this variant has been classified as Uncertain Significance.

PreventionGenetics, part of Exact Sciences
Classification: Likely benign for ITGB4-related condition. Last evaluated: 2022-05-10. Review status: no assertion criteria provided. Collection method: clinical testing. Allele origin: germline. Not counted in ClinVar's aggregate classification.
Comment: This variant is classified as likely benign based on ACMG/AMP sequence variant interpretation guidelines (Richards et al. 2015 PMID: 25741868, with internal and published modifications).

NM_000213.5(ITGB4):c.4462C>T (p.Leu1488Phe)

Genes: GALK1 (galactokinase 1; minus strand), ITGB4 (integrin subunit beta 4; plus strand). Cytogenetic location: 17q25.1.
Variant type: single nucleotide variant.
Coding change: c.4462C>T on transcript NM_000213.5 (MANE Select); coding-DNA position 4462, C replaced by T.
Protein change: p.Leu1488Phe; replaces leucine 1488 with phenylalanine.
Molecular consequence: missense variant. On other transcripts: intron variant (1).
Genome position (GRCh38, 1-based): chr17:75,754,719, C>T. VCF-style: chr17-75754719-C-T. GRCh37 (hg19) VCF-style: chr17-73750800-C-T.
Other names: c.4462C>T (NM_000213.4, NM_000213.3); c.*23-2982G>A (NM_001381985.1); c.4252C>T, p.Leu1418Phe (NM_001005619.2, NM_001005731.3, NM_001321123.2 and 1 more transcripts); short protein forms L1488F, L1418F.
Identifiers: ClinVar variation 1898075 (VCV001898075.7), dbSNP rs548288813, ClinGen allele CA8770122.